The following is an entry in ClinVar:

NM_000481.4(AMT):c.218G>A (p.Arg73His)

Gene: AMT (aminomethyltransferase; minus strand). Cytogenetic location: 3p21.31.
Variant type: single nucleotide variant.
Coding change: c.218G>A on transcript NM_000481.4 (MANE Select); coding-DNA position 218, G replaced by A.
Protein change: p.Arg73His; replaces arginine 73 with histidine.
Molecular consequence: missense variant. On other transcripts: non-coding transcript variant (1), intron variant (1).
Genome position (GRCh38, 1-based): chr3:49,422,144, C>T on the plus strand (G>A on the coding strand, the complement: AMT is on the minus strand). VCF-style: chr3-49422144-C-T. GRCh37 (hg19) VCF-style: chr3-49459577-C-T.
Other names: c.218G>A, p.Arg73His (NM_001164710.2, NM_001164712.2); c.90+217G>A (NM_001164711.2); short protein forms R73H.
Identifiers: ClinVar variation 1465602 (VCV001465602.5), dbSNP rs928833763, ClinGen allele CA74516424.
Genomic context (GRCh38, chr3:49,422,144, plus strand): 5'-AGTGTGCTCCCCTGGCTCACCTGCAGCATATGAGACACGTCAAAGAGCGAGCAGTGCTGG[C>T]GTGTGTGCAGGTGCGAGTCAGTGTGACTGTCCCGGTACTGCACTGGCAGACTCCAACCCG-3'
Protein context (NP_000472.2, residues 63-83): DSHTDSHLHT[Arg73His]QHCSLFDVSH

ClinVar aggregate classification (germline): Uncertain significance. Review status: criteria provided, multiple submitters, no conflicts (2 of 4 stars). 3 submissions from 3 submitters: Uncertain significance (3). Last evaluated 2024-07-18.

Conditions:
Glycine encephalopathy. Also called: Non-ketotic hyperglycinemia; Nonketotic hyperglycinemia. Identifiers: Orphanet 407, MedGen C0751748, MONDO:0011612, HP:0008288.

Allele frequency attached by ClinVar (database versions not stated): gnomAD 0.00001; gnomAD exomes 0.00001; TOPMed 0.00001.
gnomAD v4.1: 21 of 1,613,716 alleles (0.0013%); highest among the groups gnomAD compares: East Asian, 0.0022%; no homozygotes.

Submissions (3):

Blueprint Genetics
Classification: Uncertain significance. Last evaluated: 2024-07-18. Review status: criteria provided, single submitter. Criteria: ACMG Guidelines, 2015. Collection method: clinical testing. Allele origin: germline.

Labcorp Genetics (formerly Invitae), Labcorp
Classification: Uncertain significance for Glycine encephalopathy. Last evaluated: 2022-07-25. Review status: criteria provided, single submitter. Criteria: Invitae Variant Classification Sherloc (09022015). Collection method: clinical testing. Allele origin: germline.
Comment: This sequence change replaces arginine, which is basic and polar, with histidine, which is basic and polar, at codon 73 of the AMT protein (p.Arg73His). The frequency data for this variant in the population databases is considered unreliable, as metrics indicate poor data quality at this position in the gnomAD database. This variant has not been reported in the literature in individuals affected with AMT-related conditions. ClinVar contains an entry for this variant (Variation ID: 1465602). Advanced modeling of protein sequence and biophysical properties (such as structural, functional, and spatial information, amino acid conservation, physicochemical variation, residue mobility, and thermodynamic stability) performed at Invitae indicates that this missense variant is expected to disrupt AMT protein function. This variant disrupts the p.Arg73 amino acid residue in AMT. Other variant(s) that disrupt this residue have been determined to be pathogenic (PMID: 16450403, 27362913; Invitae). This suggests that this residue is clinically significant, and that variants that disrupt this residue are likely to be disease-causing. In summary, the available evidence is currently insufficient to determine the role of this variant in disease. Therefore, it has been classified as a Variant of Uncertain Significance.

Fulgent Genetics
Classification: Uncertain significance for Glycine encephalopathy 1. Last evaluated: 2021-12-03. Review status: criteria provided, single submitter. Criteria: ACMG Guidelines, 2015. Collection method: clinical testing. Allele origin: unknown.

Literature cited by the submitters: PubMed 16450403 (cited by Labcorp Genetics (formerly Invitae), Labcorp); PubMed 27362913 (cited by Labcorp Genetics (formerly Invitae), Labcorp).